The following is an entry in ClinVar:

ClinVar aggregate classification (germline): Uncertain significance (1 of 4 stars; one submission).

Allele frequency attached by ClinVar (database versions not stated): TOPMed 0.00002.
gnomAD v4.1: 6 of 1,614,010 alleles (0.00037%); highest among the groups gnomAD compares: African/African-American, 0.0013%; no homozygotes.

Submission:

Labcorp Genetics (formerly Invitae), Labcorp
Classification: Uncertain significance. Last evaluated: 2025-11-12. Review status: criteria provided, single submitter. Criteria: Invitae Variant Classification Sherloc (09022015). Collection method: clinical testing. Allele origin: germline.
Comment: This sequence change replaces leucine, which is neutral and non-polar, with proline, which is neutral and non-polar, at codon 88 of the PSENEN protein (p.Leu88Pro). This variant is not present in population databases (gnomAD no frequency). This variant has not been reported in the literature in individuals affected with PSENEN-related conditions. ClinVar contains an entry for this variant (Variation ID: 1941708). An algorithm developed to predict the effect of missense changes on protein structure and function (PolyPhen-2) suggests that this variant is likely to be disruptive. In summary, the available evidence is currently insufficient to determine the role of this variant in disease. Therefore, it has been classified as a Variant of Uncertain Significance.

NM_172341.4(PSENEN):c.263T>C (p.Leu88Pro)

Gene: PSENEN (presenilin enhancer, gamma-secretase subunit; plus strand). Cytogenetic location: 19q13.12.
Variant type: single nucleotide variant.
Coding change: c.263T>C on transcript NM_172341.4 (MANE Select); coding-DNA position 263, T replaced by C.
Protein change: p.Leu88Pro; replaces leucine 88 with proline.
Molecular consequence: missense variant.
Genome position (GRCh38, 1-based): chr19:35,746,804, T>C. VCF-style: chr19-35746804-T-C. GRCh37 (hg19) VCF-style: chr19-36237705-T-C.
Other names: c.263T>C, p.Leu88Pro (NM_001281532.3); short protein forms L88P.
Identifiers: ClinVar variation 1941708 (VCV001941708.5), dbSNP rs1196358066, ClinGen allele CA405463646.